The following is an entry in ClinVar:

ClinVar aggregate classification (germline): Likely benign (1 of 4 stars; one submission).

Conditions:
Leigh syndrome (NULS). Also called: Leigh's necrotizing encephalopathy; Leigh's disease; Leigh Syndrome (mtDNA deletion); Leigh Disease; Subacute necrotizing encephalopathy; Necrotizing encephalopathy infantile subacute of Leigh. Identifiers: Orphanet 506, MedGen C2931891, MONDO:0009723, OMIM 256000.

Submission:

Wong Mito Lab, Molecular and Human Genetics, Baylor College of Medicine
Classification: Likely benign for Leigh syndrome. Last evaluated: 2019-10-17. Review status: criteria provided, single submitter. Criteria: Modified ACMG Guidelines (Unpublished). Collection method: clinical testing. Allele origin: germline.
Comment: The NC_012920.1:m.7785T>C (YP_003024029.1:p.Ile67Thr) variant in MTCO2 gene is interpretated to be a Likely Benign variant based on the modified ACMG guidelines (unpublished). This variant meets the following evidence codes: BS1, BP4

NC_012920.1(MT-CO2):m.7785T>C

Gene: MT-CO2 (mitochondrially encoded cytochrome c oxidase II; plus strand).
Variant type: single nucleotide variant.
Genome position: chrM-7785-T-C.
Identifiers: ClinVar variation 692776 (VCV000692776.1), dbSNP rs1603221138, ClinGen allele CA414793730.